The following is an entry in ClinVar:

NM_001166160.2(PPP1R9A):c.3216G>A (p.Ala1072=)

Gene: PPP1R9A (protein phosphatase 1 regulatory subunit 9A; plus strand). Cytogenetic location: 7q21.3.
Variant type: single nucleotide variant.
Coding change: c.3216G>A on transcript NM_001166160.2 (MANE Select); coding-DNA position 3216, G replaced by A.
Protein change: p.Ala1072=; no amino-acid change (alanine 1072 retained).
Molecular consequence: synonymous variant. On other transcripts: intron variant (2).
Genome position (GRCh38, 1-based): chr7:95,274,088, G>A. VCF-style: chr7-95274088-G-A. GRCh37 (hg19) VCF-style: chr7-94903400-G-A.
Other names: c.3096G>A, p.Ala1032= (NM_001166161.1); c.3150G>A, p.Ala1050= (NM_001166162.1); c.2757+5381G>A (NM_017650.3, NM_001166163.1).
Identifiers: ClinVar variation 3051451 (VCV003051451.2), dbSNP rs200547261, ClinGen allele CA4349869.
Genomic context (GRCh38, chr7:95,274,088, plus strand): 5'-GAGGATTGAAAGAGAAAATTTCAGCTTCCCCTTTCTGACTGCTTACTATCATTACAGGGC[G>A]CCTTTGCGAAGGAATTCCAGCAAGGGAAAGAAGTGGAAAGAAAAAGAAAAAGAAGCCAGT-3'
Protein context (NP_001159632.1, residues 1062-1082): KIKRKFVDLG[Ala1072=]PLRRNSSKGK

ClinVar aggregate classification (germline): Likely benign (0 of 4 stars; one submission).

Conditions:
PPP1R9A-related disorder. Also called: PPP1R9A-related condition.

Allele frequency attached by ClinVar (database versions not stated): TOPMed 0.00027; ESP Exome Variant Server 0.00029; 1000 Genomes Project 30x 0.00031; gnomAD 0.00031; 1000 Genomes Project 0.00040; gnomAD exomes 0.00042; ExAC 0.00051.
gnomAD v4.1: 652 of 1,573,862 alleles (0.041%); highest among the groups gnomAD compares: South Asian, 0.05%; no homozygotes.

Submission:

PreventionGenetics, part of Exact Sciences
Classification: Likely benign for PPP1R9A-related condition. Last evaluated: 2020-01-06. Review status: no assertion criteria provided. Collection method: clinical testing. Allele origin: germline.
Comment: This variant is classified as likely benign based on ACMG/AMP sequence variant interpretation guidelines (Richards et al. 2015 PMID: 25741868, with internal and published modifications).